The following is an entry in ClinVar:

ClinVar aggregate classification (germline): Pathogenic. Review status: criteria provided, single submitter (1 of 4 stars). 2 submissions from 2 submitters: Pathogenic (1). 1 of the submissions does not count toward it. Last evaluated 2017-11-15.

Conditions:
Autism (AUTS). Also called: Autistic disorder; Autistic disorder of childhood onset. Identifiers: MedGen C0004352, MeSH D001321, MONDO:0005260, OMIM 209850, HP:0000717.
Iris coloboma. Also called: Coloboma of iris. Identifiers: Orphanet 98944, MedGen C0240063, MONDO:0020356, HP:0000612.
Delayed speech and language development. Also called: Language delay. Identifiers: MedGen C0454644, HP:0000750.
Motor delay. Also called: Motor Developmental Delay; Motor retardation. Identifiers: MedGen C1854301, HP:0001270.
Abnormality of vision. Identifiers: MedGen C4025846, HP:0000504.
Neuroocular syndrome 1 (NOC1). Identifiers: Orphanet 659904, MedGen C5925133, MONDO:0971007, OMIM 619539.

Submissions (2):

Baylor Genetics
Classification: Pathogenic for Abnormality of vision; Iris coloboma; Delayed speech and language development; Motor delay; Autism. Last evaluated: 2017-11-15. Review status: criteria provided, single submitter. Criteria: ACMG Guidelines, 2015. Collection method: clinical testing. Allele origin: de novo. Inheritance: Autosomal dominant inheritance. Affected: yes. Observed: 1 variant allele, 1 heterozygote.

OMIM
Classification: Pathogenic for NEUROOCULAR SYNDROME 1. Last evaluated: 2024-04-30. Review status: no assertion criteria provided. Collection method: literature only. Allele origin: germline. Not counted in ClinVar's aggregate classification.

Literature cited by the submitters: PubMed 29556724 (cited by OMIM).

NM_020719.3(PRR12):c.4502_4505del (p.Leu1501fs)

Gene: PRR12 (proline rich 12; plus strand). Cytogenetic location: 19q13.33.
Variant type: Deletion.
Coding change: c.4502_4505del on transcript NM_020719.3 (MANE Select); coding-DNA positions 4502 to 4505, 4 bases deleted (TGCC; older notation c.4502_4505delTGCC).
Protein change: p.Leu1501fs; shifts the reading frame from leucine 1501.
Molecular consequence: frameshift variant.
Genome position (GRCh38, 1-based): chr19:49,601,647-49,601,650, TGCC deleted; deleting any 4 consecutive bases within chr19:49,601,646-49,601,650 gives the same sequence; the c. name uses the placement nearest the transcript's 3' end. VCF-style (leftmost placement, unchanged base first): chr19-49601645-GCTGC-G. GRCh37 (hg19) VCF-style: chr19-50104902-GCTGC-G.
Other names: c.4502_4505delTGCC (NM_020719.3); short protein forms L1501fs.
Identifiers: ClinVar variation 446255 (VCV000446255.8), dbSNP rs1555741826, ClinGen allele CA658799261.